The following is an entry in ClinVar:

NM_001394062.1(MACF1):c.14015A>T (p.Asn4672Ile)

Gene: MACF1 (microtubule actin crosslinking factor 1; plus strand). Cytogenetic location: 1p34.3.
Variant type: single nucleotide variant.
Coding change: c.14015A>T on transcript NM_001394062.1 (MANE Select); coding-DNA position 14015, A replaced by T.
Protein change: p.Asn4672Ile; replaces asparagine 4672 with isoleucine.
Molecular consequence: missense variant.
Genome position (GRCh38, 1-based): chr1:39,385,600, A>T. VCF-style: chr1-39385600-A-T. GRCh37 (hg19) VCF-style: chr1-39851272-A-T.
Other names: c.7829A>T, p.Asn2610Ile (NM_012090.5); short protein forms N2610I, N4672I.
Identifiers: ClinVar variation 3769925 (VCV003769925.2).

ClinVar aggregate classification (germline): Uncertain significance (1 of 4 stars; one submission).

gnomAD v4.1: 1 of 1,613,770 alleles (0.000062%); highest among the groups gnomAD compares: Admixed American, 0.0017%; no homozygotes.

Submission:

GeneDx
Classification: Uncertain significance. Last evaluated: 2025-10-10. Review status: criteria provided, single submitter. Criteria: GeneDx Variant Classification Process June 2021. Collection method: clinical testing. Allele origin: germline.
Comment: Not observed at significant frequency in large population cohorts (gnomAD); In silico analysis supports that this missense variant has a deleterious effect on protein structure/function; Has not been previously published as pathogenic or benign to our knowledge